The following is an entry in ClinVar:

ClinVar aggregate classification (germline): Likely benign. Review status: criteria provided, multiple submitters, no conflicts (2 of 4 stars). 5 submissions from 5 submitters: Likely benign (5). Last evaluated 2025-12-11.

Conditions:
Malignant hyperthermia, susceptibility to, 5 (MHS5). Also called: CACNA1S-Related Malignant Hyperthermia Susceptibility. Identifiers: Orphanet 423, MedGen C1866077, MONDO:0011163, OMIM 601887.
Hypokalemic periodic paralysis, type 1. Also called: HypoPP; Hypokalemic Periodic Paralysis Type 1 (AD). Identifiers: Orphanet 681, MedGen C3714580, MONDO:0042979, OMIM 170400.

Allele frequency attached by ClinVar (database versions not stated): gnomAD 0.00002; ExAC 0.00003; gnomAD exomes 0.00003.

Submissions (5):

Labcorp Genetics (formerly Invitae), Labcorp
Classification: Likely benign for Hypokalemic periodic paralysis, type 1; Malignant hyperthermia, susceptibility to, 5. Last evaluated: 2025-12-11. Review status: criteria provided, single submitter. Criteria: Invitae Variant Classification Sherloc (09022015). Collection method: clinical testing. Allele origin: germline.

Blueprint Genetics
Classification: Likely benign. Last evaluated: 2024-10-14. Review status: criteria provided, single submitter. Criteria: ACMG Guidelines, 2015. Collection method: clinical testing. Allele origin: germline.

All of Us Research Program, National Institutes of Health
Classification: Likely benign for Malignant hyperthermia, susceptibility to, 5. Last evaluated: 2023-12-18. Review status: criteria provided, single submitter. Criteria: ACMG Guidelines, 2015. Collection method: clinical testing. Allele origin: germline. Inheritance: Autosomal dominant inheritance. Observed: 18 variant alleles, 18 heterozygotes.
Comment: This study involves interpretation of variants in research participants for the purpose of population health screening. Participant phenotype was not available at the time of variant classification. Additional details can be found in publication PMID: 35346344, PMCID: PMC8962531

Color Diagnostics, LLC DBA Color Health
Classification: Likely benign for Malignant hyperthermia, susceptibility to, 5. Last evaluated: 2022-09-20. Review status: criteria provided, single submitter. Criteria: ACMG Guidelines, 2015. Collection method: clinical testing. Allele origin: germline.

Breakthrough Genomics
Classification: Likely benign. Review status: criteria provided, single submitter. Criteria: ACMG Guidelines, 2015. Collection method: not provided. Allele origin: germline. Inheritance: Autosomal dominant inheritance. Affected: yes.

NM_000069.3(CACNA1S):c.5135-14C>T

Gene: CACNA1S (calcium voltage-gated channel subunit alpha1 S; minus strand). Cytogenetic location: 1q32.1.
Variant type: single nucleotide variant.
Coding change: c.5135-14C>T on transcript NM_000069.3 (MANE Select); 14 bases into the intron before coding-DNA position 5135, C replaced by T.
Molecular consequence: intron variant.
Genome position (GRCh38, 1-based): chr1:201,040,727, G>A on the plus strand (C>T on the coding strand, the complement: CACNA1S is on the minus strand). VCF-style: chr1-201040727-G-A. GRCh37 (hg19) VCF-style: chr1-201009855-G-A.
Identifiers: ClinVar variation 1551834 (VCV001551834.12), dbSNP rs762466711, ClinGen allele CA083737.